The following is an entry in ClinVar:

NM_000038.6(APC):c.-18-5113C>A

Gene: APC (APC regulator of WNT signaling pathway; plus strand). Cytogenetic location: 5q22.2.
Variant type: single nucleotide variant.
Coding change: c.-18-5113C>A on transcript NM_000038.6 (MANE Select); 5113 bases into the intron before 18 bases upstream of the start codon, C replaced by A.
Molecular consequence: intron variant.
Genome position (GRCh38, 1-based): chr5:112,749,760, C>A. VCF-style: chr5-112749760-C-A. GRCh37 (hg19) VCF-style: chr5-112085457-C-A.
Other names: c.-18-5113C>A (NM_001354895.2, NM_001127510.3, NM_001354896.2 and 2 more transcripts); c.166-16566C>A (NM_001354897.2, NM_001354902.2, NM_001127511.3); c.60+11300C>A (NM_001354898.2, NM_001354904.2); c.-1053-5113C>A (NM_001354906.2); c.-43+11835C>A (NM_001354900.2, NM_001354901.2, NM_001354905.2).
Identifiers: ClinVar variation 82793 (VCV000082793.2), dbSNP rs77576438, ClinGen allele CA006125.

ClinVar aggregate classification (germline): other (0 of 4 stars; one submission).

Conditions:
Familial colorectal cancer. Identifiers: MedGen CN280943, MONDO:0023113. Disease mechanism: loss of function.

Submission:

Systems Biology Platform Zhejiang California International NanoSystems Institute
Classification: other for Familial colorectal cancer. Review status: no assertion criteria provided. Collection method: not provided. Allele origin: unknown.
ClinVar note: Converted during submission from cancer to other.